The following is an entry in ClinVar:

NM_016363.5(GP6):c.171C>G (p.Tyr57Ter)

Gene: GP6 (glycoprotein VI platelet; minus strand). Cytogenetic location: 19q13.42.
Variant type: single nucleotide variant.
Coding change: c.171C>G on transcript NM_016363.5 (MANE Select); coding-DNA position 171, C replaced by G.
Protein change: p.Tyr57Ter; replaces tyrosine 57 with a stop codon.
Molecular consequence: nonsense.
Genome position (GRCh38, 1-based): chr19:55,032,293, G>C on the plus strand (C>G on the coding strand, the complement: GP6 is on the minus strand). VCF-style: chr19-55032293-G-C. GRCh37 (hg19) VCF-style: chr19-55543661-G-C.
Other names: c.171C>G, p.Tyr57Ter (NM_001083899.2, NM_001256017.2); short protein forms Y57*.
Identifiers: ClinVar variation 1071188 (VCV001071188.7), dbSNP rs995736633, ClinGen allele CA407492704.

ClinVar aggregate classification (germline): Pathogenic (1 of 4 stars; one submission).

Allele frequency attached by ClinVar (database versions not stated): gnomAD exomes below 0.00001; TOPMed below 0.00001.
gnomAD v4.1: 1 of 1,614,106 alleles (0.000062%); highest among the groups gnomAD compares: Admixed American, 0.0017%; no homozygotes.

Submission:

Labcorp Genetics (formerly Invitae), Labcorp
Classification: Pathogenic. Last evaluated: 2017-10-05. Review status: criteria provided, single submitter. Criteria: Invitae Variant Classification Sherloc (09022015). Collection method: clinical testing. Allele origin: germline.
Comment: For these reasons, this variant has been classified as Pathogenic. Loss-of-function variants in GP6 are known to be pathogenic (PMID: 16139873, 23815599). This variant has not been reported in the literature in individuals with GP6-related disease. This variant is not present in population databases (ExAC no frequency). This sequence change creates a premature translational stop signal (p.Tyr57*) in the GP6 gene. It is expected to result in an absent or disrupted protein product.

Literature cited by the submitters: PubMed 16139873; PubMed 23815599.